The following is an entry in ClinVar:

ClinVar aggregate classification (germline): Uncertain significance (1 of 4 stars; one submission).

Conditions:
Glycogen storage disease type III (GSD3). Also called: FORBES DISEASE; Cori disease. Identifiers: Orphanet 366, MedGen C0017922, MONDO:0009291, OMIM 232400.

Submission:

Labcorp Genetics (formerly Invitae), Labcorp
Classification: Uncertain significance for Glycogen storage disease type III. Last evaluated: 2022-05-01. Review status: criteria provided, single submitter. Criteria: Invitae Variant Classification Sherloc (09022015). Collection method: clinical testing. Allele origin: germline.
Comment: In summary, the available evidence is currently insufficient to determine the role of this variant in disease. Therefore, it has been classified as a Variant of Uncertain Significance. Algorithms developed to predict the effect of missense changes on protein structure and function are either unavailable or do not agree on the potential impact of this missense change (SIFT: "Deleterious"; PolyPhen-2: "Probably Damaging"; Align-GVGD: "Class C0"). This variant has not been reported in the literature in individuals affected with AGL-related conditions. This variant is not present in population databases (gnomAD no frequency). This sequence change replaces glycine, which is neutral and non-polar, with arginine, which is basic and polar, at codon 36 of the AGL protein (p.Gly36Arg).

NM_000642.3(AGL):c.106G>C (p.Gly36Arg)

Gene: AGL (amylo-alpha-1,6-glucosidase and 4-alpha-glucanotransferase; plus strand). Cytogenetic location: 1p21.2.
Variant type: single nucleotide variant.
Coding change: c.106G>C on transcript NM_000642.3 (MANE Select); coding-DNA position 106, G replaced by C.
Protein change: p.Gly36Arg; replaces glycine 36 with arginine.
Molecular consequence: missense variant.
Genome position (GRCh38, 1-based): chr1:99,861,526, G>C. VCF-style: chr1-99861526-G-C. GRCh37 (hg19) VCF-style: chr1-100327082-G-C.
Other names: c.106G>C, p.Gly36Arg (NM_000643.3, NM_000644.3, NM_001425325.1 and 5 more transcripts); c.58G>C, p.Gly20Arg (NM_000646.3); short protein forms G20R, G36R.
Identifiers: ClinVar variation 1955534 (VCV001955534.3), dbSNP rs746977667, ClinGen allele CA27560417.